The following is an entry in ClinVar:

ClinVar aggregate classification (germline): Conflicting classifications of pathogenicity. Review status: criteria provided, conflicting classifications (1 of 4 stars). 5 submissions from 5 submitters: Uncertain significance (4); Likely benign (1). Last evaluated 2025-11-10.

Conditions:
Rhabdoid tumor predisposition syndrome 2 (RTPS2). Identifiers: Orphanet 231108, Orphanet 69077, MedGen C2750074, MONDO:0013224, OMIM 613325.
Otosclerosis 12. Identifiers: MedGen C5935610, MONDO:0968980, OMIM 620792.
Intellectual disability, autosomal dominant 16 (CSS4). Also called: COFFIN-SIRIS SYNDROME 4. Identifiers: Orphanet 1465, MedGen C3553249, MONDO:0013821, OMIM 614609.
Hereditary cancer-predisposing syndrome. Also called: Neoplastic Syndromes, Hereditary; Hereditary neoplastic syndrome; Tumor predisposition; Hereditary Cancer Syndrome. Identifiers: Orphanet 140162, MedGen C0027672, MeSH D009386, MONDO:0015356.

Allele frequency attached by ClinVar (database versions not stated): gnomAD exomes below 0.00001 and 0.00001; TOPMed 0.00001.
gnomAD v4.1: 7 of 1,612,860 alleles (0.00043%); highest among the groups gnomAD compares: Non-Finnish European, 0.00059%; no homozygotes.

Submissions (5):

Labcorp Genetics (formerly Invitae), Labcorp
Classification: Uncertain significance for Rhabdoid tumor predisposition syndrome 2. Last evaluated: 2025-11-10. Review status: criteria provided, single submitter. Criteria: Invitae Variant Classification Sherloc (09022015). Collection method: clinical testing. Allele origin: germline.
Comment: This sequence change replaces lysine, which is basic and polar, with glutamic acid, which is acidic and polar, at codon 1505 of the SMARCA4 protein (p.Lys1505Glu). The frequency data for this variant in the population databases is considered unreliable, as metrics indicate poor data quality at this position in the gnomAD database. This variant has not been reported in the literature in individuals affected with SMARCA4-related conditions. ClinVar contains an entry for this variant (Variation ID: 238475). Invitae Evidence Modeling of protein sequence and biophysical properties (such as structural, functional, and spatial information, amino acid conservation, physicochemical variation, residue mobility, and thermodynamic stability) has been performed for this missense variant. However, the output from this modeling did not meet the statistical confidence thresholds required to predict the impact of this variant on SMARCA4 protein function. In summary, the available evidence is currently insufficient to determine the role of this variant in disease. Therefore, it has been classified as a Variant of Uncertain Significance.

Fulgent Genetics
Classification: Uncertain significance for Rhabdoid tumor predisposition syndrome 2; Intellectual disability, autosomal dominant 16; Otosclerosis 12. Last evaluated: 2024-02-08. Review status: criteria provided, single submitter. Criteria: ACMG Guidelines, 2015. Collection method: clinical testing. Allele origin: germline.

Baylor Genetics
Classification: Uncertain significance for Rhabdoid tumor predisposition syndrome 2. Last evaluated: 2023-11-02. Review status: criteria provided, single submitter. Criteria: ACMG Guidelines, 2015. Collection method: clinical testing. Allele origin: unknown.

Ambry Genetics
Classification: Likely benign for Hereditary cancer-predisposing syndrome. Last evaluated: 2022-03-30. Review status: criteria provided, single submitter. Criteria: Ambry Variant Classification Scheme 2023. Collection method: clinical testing. Allele origin: germline.

Genome-Nilou Lab
Classification: Uncertain significance for Intellectual disability, autosomal dominant 16. Last evaluated: 2021-07-15. Review status: criteria provided, single submitter. Criteria: ACMG Guidelines, 2015. Collection method: clinical testing. Allele origin: germline. Affected: no.

NM_003072.5(SMARCA4):c.4417A>G (p.Lys1473Glu)

Gene: SMARCA4 (SWI/SNF related BAF chromatin remodeling complex subunit ATPase 4; plus strand). Cytogenetic location: 19p13.2.
Variant type: single nucleotide variant.
Coding change: c.4417A>G on transcript NM_003072.5 (MANE Select); coding-DNA position 4417, A replaced by G.
Protein change: p.Lys1473Glu; replaces lysine 1473 with glutamic acid.
Molecular consequence: missense variant. On other transcripts: non-coding transcript variant (1).
Genome position (GRCh38, 1-based): chr19:11,041,553, A>G. VCF-style: chr19-11041553-A-G. GRCh37 (hg19) VCF-style: chr19-11152229-A-G.
Other names: c.4417A>G, p.Lys1473Glu (NM_001128844.3); c.4327A>G, p.Lys1443Glu (NM_001128845.2, NM_001128846.2); c.4318A>G, p.Lys1440Glu (NM_001128847.4, NM_001128848.2, NM_001374457.1); c.4513A>G, p.Lys1505Glu (NM_001128849.3, NM_001387283.1); c.4513A>G (NM_001128849.2); short protein forms K1505E, K1473E, K1443E, K1440E.
Identifiers: ClinVar variation 238475 (VCV000238475.17), dbSNP rs878854227, ClinGen allele CA10583757.